The following is an entry in ClinVar:

NM_152722.5(HEPACAM):c.292C>G (p.Arg98Gly)

Gene: HEPACAM (hepatic and glial cell adhesion molecule; minus strand). Cytogenetic location: 11q24.2.
Variant type: single nucleotide variant.
Coding change: c.292C>G on transcript NM_152722.5 (MANE Select); coding-DNA position 292, C replaced by G.
Protein change: p.Arg98Gly; replaces arginine 98 with glycine.
Molecular consequence: missense variant.
Genome position (GRCh38, 1-based): chr11:124,924,863, G>C on the plus strand (C>G on the coding strand, the complement: HEPACAM is on the minus strand). VCF-style: chr11-124924863-G-C. GRCh37 (hg19) VCF-style: chr11-124794759-G-C.
Other names: c.292C>G, p.Arg98Gly (NM_001411043.1); short protein forms R98G.
Identifiers: ClinVar variation 2577714 (VCV002577714.1), dbSNP rs387907052, ClinGen allele CA383143346.

ClinVar aggregate classification (germline): Uncertain significance (1 of 4 stars; one submission).

Submission:

GeneDx
Classification: Uncertain significance. Last evaluated: 2023-02-22. Review status: criteria provided, single submitter. Criteria: GeneDx Variant Classification Process June 2021. Collection method: clinical testing. Allele origin: germline. Affected: yes.
Comment: Not observed at significant frequency in large population cohorts (gnomAD); In silico analysis supports that this missense variant has a deleterious effect on protein structure/function; Has not been previously published as pathogenic or benign to our knowledge